The following is an entry in ClinVar:

NM_000540.3(RYR1):c.9123-7del

Gene: RYR1 (ryanodine receptor 1; plus strand). Cytogenetic location: 19q13.2.
Variant type: Deletion.
Coding change: c.9123-7del on transcript NM_000540.3 (MANE Select); 7 bases into the intron before coding-DNA position 9123, one base deleted (T; older notation c.9123-7delT).
Molecular consequence: intron variant.
Genome position (GRCh38, 1-based): chr19:38,511,554, T deleted; the last of 3 consecutive T bases (chr19:38,511,552-38,511,554); deleting any one gives the same sequence. VCF-style (leftmost placement, unchanged base first): chr19-38511551-CT-C. GRCh37 (hg19) VCF-style: chr19-39002191-CT-C.
Other names: c.9123-7del (NM_001042723.2).
Identifiers: ClinVar variation 2961337 (VCV002961337.4), dbSNP rs1970726389, ClinGen allele CA2335059265.
Genomic context (GRCh38, chr19:38,511,551, plus strand): 5'-CGCTGTCCTCGTCTCCTTGGCCTCCTCACTCGCTGTTTCTCCTGCCTTCTGTCCCTTTCT[CT>C]TTCTTCAGCCTCTTCTGCAAACTTGCTGCTCTCGTCCGCCACCGAGTCTCTCTCTTTGGT-3'

ClinVar aggregate classification (germline): Likely benign. Review status: criteria provided, multiple submitters, no conflicts (2 of 4 stars). 2 submissions from 2 submitters: Likely benign (2). Last evaluated 2024-03-24.

Conditions:
RYR1-related disorder. Also called: RYR1-related disorders; RYR1-related condition. Identifiers: MedGen CN239331.
Malignant hyperthermia, susceptibility to, 1 (MHS1). Also called: Malignant hyperthermia suceptibility 1; Anesthesia related hyperthermia; Malignant hyperpyrexia; Fulminating hyperpyrexia; Pharmacogenic myopathy; RYR1-Related Malignant Hyperthermia Susceptibility. Identifiers: Orphanet 423, MedGen C2930980, MONDO:0007783, OMIM 145600.

Submissions (2):

All of Us Research Program, National Institutes of Health
Classification: Likely benign for Malignant hyperthermia, susceptibility to, 1. Last evaluated: 2024-03-24. Review status: criteria provided, single submitter. Criteria: ACMG Guidelines, 2015. Collection method: clinical testing. Allele origin: germline. Inheritance: Autosomal dominant inheritance. Observed: 1 variant allele, 1 heterozygote.
Comment: This study involves interpretation of variants in research participants for the purpose of population health screening. Participant phenotype was not available at the time of variant classification. Additional details can be found in publication PMID: 35346344, PMCID: PMC8962531

Labcorp Genetics (formerly Invitae), Labcorp
Classification: Likely benign for RYR1-related disorder. Last evaluated: 2023-09-14. Review status: criteria provided, single submitter. Criteria: Invitae Variant Classification Sherloc (09022015). Collection method: clinical testing. Allele origin: germline.